The following is an entry in ClinVar:

ClinVar aggregate classification (germline): Uncertain significance. Review status: criteria provided, multiple submitters, no conflicts (2 of 4 stars). 2 submissions from 2 submitters: Uncertain significance (2). Last evaluated 2025-08-14.

Conditions:
Inborn genetic diseases. Identifiers: MedGen C0950123, MeSH D030342.
Holoprosencephaly 11 (HPE11). Identifiers: Orphanet 2162, MedGen C3280215, MONDO:0013642, OMIM 614226.

Allele frequency attached by ClinVar (database versions not stated): gnomAD 0.00001; gnomAD exomes 0.00001; ExAC 0.00002; TOPMed 0.00002; ESP Exome Variant Server 0.00015.
gnomAD v4.1: 16 of 1,613,998 alleles (0.00099%); highest among the groups gnomAD compares: East Asian, 0.0022%; no homozygotes.

Submissions (2):

Ambry Genetics
Classification: Uncertain significance for Inborn genetic diseases. Last evaluated: 2025-08-14. Review status: criteria provided, single submitter. Criteria: Ambry Variant Classification Scheme 2023. Collection method: clinical testing. Allele origin: germline.

Labcorp Genetics (formerly Invitae), Labcorp
Classification: Uncertain significance for Holoprosencephaly 11. Last evaluated: 2023-07-13. Review status: criteria provided, single submitter. Criteria: Invitae Variant Classification Sherloc (09022015). Collection method: clinical testing. Allele origin: germline.
Comment: In summary, the available evidence is currently insufficient to determine the role of this variant in disease. Therefore, it has been classified as a Variant of Uncertain Significance. Advanced modeling of protein sequence and biophysical properties (such as structural, functional, and spatial information, amino acid conservation, physicochemical variation, residue mobility, and thermodynamic stability) has been performed at Invitae for this missense variant, however the output from this modeling did not meet the statistical confidence thresholds required to predict the impact of this variant on CDON protein function. This variant has not been reported in the literature in individuals affected with CDON-related conditions. This variant is present in population databases (rs145549613, gnomAD 0.007%). This sequence change replaces glycine, which is neutral and non-polar, with arginine, which is basic and polar, at codon 259 of the CDON protein (p.Gly259Arg).

NM_001378964.1(CDON):c.775G>A (p.Gly259Arg)

Gene: CDON (cell adhesion associated, oncogene regulated; minus strand). Cytogenetic location: 11q24.2.
Variant type: single nucleotide variant.
Coding change: c.775G>A on transcript NM_001378964.1 (MANE Select); coding-DNA position 775, G replaced by A.
Protein change: p.Gly259Arg; replaces glycine 259 with arginine.
Molecular consequence: missense variant.
Genome position (GRCh38, 1-based): chr11:126,017,241, C>T on the plus strand (G>A on the coding strand, the complement: CDON is on the minus strand). VCF-style: chr11-126017241-C-T. GRCh37 (hg19) VCF-style: chr11-125887136-C-T.
Other names: c.775G>A, p.Gly259Arg (NM_016952.6, NM_001243597.3); short protein forms G259R.
Identifiers: ClinVar variation 2910062 (VCV002910062.4), dbSNP rs145549613, ClinGen allele CA6352248.
Genomic context (GRCh38, chr11:126,017,241, plus strand): 5'-TATCAGTGGCAAGATGAGAATACAACCTTCTCCAGTTGCTTCCTGGTGCAATGTCCTGCC[C>T]GTCCTTTAGCCAATACACTTGAGGAGCCGGGACCCCACTCACCACACACTCCAAGGTTAC-3'
Protein context (NP_001365893.1, residues 249-269): PAPQVYWLKD[Gly259Arg]QDIAPGSNWR